The following is an entry in ClinVar:

ClinVar aggregate classification (germline): Benign/Likely benign. Review status: criteria provided, multiple submitters, no conflicts (2 of 4 stars). 11 submissions from 11 submitters: Benign (8); Likely benign (1). 2 of the submissions do not count toward it. Last evaluated 2026-02-01.

Conditions:
Cerebral arteriopathy, autosomal dominant, with subcortical infarcts and leukoencephalopathy, type 1 (CADASIL1). Also called: CASIL; Cerebral arteriopathy with subcortical infarcts and leukoencephalopathy 1; DEMENTIA, HEREDITARY MULTIINFARCT TYPE; CADASIL 1. Identifiers: Orphanet 136, MedGen C4551768, MONDO:0000914, OMIM 125310.

Allele frequency attached by ClinVar (database versions not stated): TOPMed 0.08593; ESP Exome Variant Server 0.08711; 1000 Genomes Project 30x 0.09166; gnomAD exomes 0.01304 and 0.02534; ExAC 0.02996; gnomAD 0.07602 and 0.08167; 1000 Genomes Project 0.08446.
gnomAD v4.1: 31,266 of 1,613,932 alleles (1.9%); highest among the groups gnomAD compares: African/African-American, 25%; 2,514 homozygotes.

Submissions (11):

Labcorp Genetics (formerly Invitae), Labcorp
Classification: Benign. Last evaluated: 2026-02-01. Review status: criteria provided, single submitter. Criteria: Invitae Variant Classification Sherloc (09022015). Collection method: clinical testing. Allele origin: germline.

ARUP Laboratories, Molecular Genetics and Genomics, ARUP Laboratories
Classification: Benign. Last evaluated: 2025-07-29. Review status: criteria provided, single submitter. Criteria: ARUP Molecular Germline Variant Investigation Process 2024. Collection method: clinical testing. Allele origin: germline.

Athena Diagnostics
Classification: Benign. Last evaluated: 2025-06-11. Review status: criteria provided, single submitter. Criteria: Athena Diagnostics Criteria. Collection method: clinical testing. Allele origin: unknown.
Comment: The frequency of this variant in the general population is higher than would generally be expected for pathogenic variants in this gene.

Blueprint Genetics
Classification: Likely benign. Last evaluated: 2024-11-27. Review status: criteria provided, single submitter. Criteria: ACMG Guidelines, 2015. Collection method: clinical testing. Allele origin: germline.

Mayo Clinic Laboratories, Mayo Clinic
Classification: Benign. Last evaluated: 2023-03-10. Review status: criteria provided, single submitter. Criteria: ACMG Guidelines, 2015. Collection method: clinical testing. Allele origin: germline. Observed: 219 variant alleles.
Comment: BA1

GeneDx
Classification: Benign. Last evaluated: 2021-05-04. Review status: criteria provided, single submitter. Criteria: GeneDx Variant Classification Process June 2021. Collection method: clinical testing. Allele origin: germline. Affected: yes.
Comment: This variant is associated with the following publications: (PMID: 30530974, 29544907)

Illumina Laboratory Services, Illumina
Classification: Benign for Cerebral arteriopathy, autosomal dominant, with subcortical infarcts and leukoencephalopathy, type 1. Last evaluated: 2018-01-13. Review status: criteria provided, single submitter. Criteria: ICSL Variant Classification Criteria 13 December 2019. Collection method: clinical testing. Allele origin: germline.
Comment: This variant was observed in the ICSL laboratory as part of a predisposition screen in an ostensibly healthy population. It had not been previously curated by ICSL or reported in the Human Gene Mutation Database (HGMD: prior to June 1st, 2018), and was therefore a candidate for classification through an automated scoring system. Utilizing variant allele frequency, disease prevalence and penetrance estimates, and inheritance mode, an automated score was calculated to assess if this variant is too frequent to cause the disease. Based on the score and internal cut-off values, a variant classified as benign is not then subjected to further curation. The score for this variant resulted in a classification of benign for this disease.

Breakthrough Genomics
Classification: Benign. Review status: criteria provided, single submitter. Criteria: ACMG Guidelines, 2015. Collection method: not provided. Allele origin: germline. Inheritance: Autosomal dominant inheritance. Affected: yes.

PreventionGenetics, part of Exact Sciences
Classification: Benign. Review status: criteria provided, single submitter. Criteria: ACMG Guidelines, 2015. Collection method: clinical testing. Allele origin: germline.

Genome Diagnostics Laboratory, Amsterdam University Medical Center
Classification: Benign. Review status: no assertion criteria provided. Collection method: clinical testing. Allele origin: germline. Affected: yes. Study: VKGL Data-share Consensus. Not counted in ClinVar's aggregate classification.

Laboratory of Diagnostic Genome Analysis, Leiden University Medical Center (LUMC)
Classification: Likely benign. Review status: no assertion criteria provided. Collection method: clinical testing. Allele origin: germline. Affected: yes. Study: VKGL Data-share Consensus. Not counted in ClinVar's aggregate classification.

Literature cited by the submitters: PubMed 22006983 (cited by Athena Diagnostics); PubMed 24086431 (cited by Athena Diagnostics); PubMed 22159056 (cited by Athena Diagnostics); PubMed 22795385 (cited by Athena Diagnostics); PubMed 22153900 (cited by Athena Diagnostics); PubMed 25929831 (cited by Athena Diagnostics); PubMed 19006080 (cited by Athena Diagnostics); PubMed 21616505 (cited by Athena Diagnostics); PubMed 25623805 (cited by Athena Diagnostics).

NM_000435.3(NOTCH3):c.3547G>A (p.Val1183Met)

Gene: NOTCH3 (notch receptor 3; minus strand). Cytogenetic location: 19p13.12.
Variant type: single nucleotide variant.
Coding change: c.3547G>A on transcript NM_000435.3 (MANE Select); coding-DNA position 3547, G replaced by A.
Protein change: p.Val1183Met; replaces valine 1183 with methionine.
Molecular consequence: missense variant.
Genome position (GRCh38, 1-based): chr19:15,179,196, C>T on the plus strand (G>A on the coding strand, the complement: NOTCH3 is on the minus strand). VCF-style: chr19-15179196-C-T. GRCh37 (hg19) VCF-style: chr19-15290007-C-T.
Other names: short protein forms V1183M.
Identifiers: ClinVar variation 256133 (VCV000256133.35), dbSNP rs10408676, ClinGen allele CA9263054.
Genomic context (GRCh38, chr19:15,179,196, plus strand): 5'-CGCAGCGCAAACCAGTGTATCCTGGGGGACAGGTGCAGCGGAAACCACCCACCAGGTCCA[C>T]GCAGGTGCCATTGTGTAGGCACCGGGGCCCTGAGTCCAGCGGTGGGCCTGGGCCGCAGTC-3'
Protein context (NP_000426.2, residues 1173-1193): GPRCLHNGTC[Val1183Met]DLVGGFRCTC